The following is an entry in ClinVar:

ClinVar aggregate classification (germline): Likely benign (1 of 4 stars; one submission).

Conditions:
Familial cancer of breast. Also called: BREAST CANCER, FAMILIAL; Hereditary breast cancer; hereditary breast carcinoma. Identifiers: Orphanet 227535, MedGen C0346153, MONDO:0016419, OMIM 114480. Disease mechanism: loss of function.

Submission:

Myriad Genetics, Inc.
Classification: Likely benign for Familial cancer of breast. Last evaluated: 2024-05-13. Review status: criteria provided, single submitter. Criteria: Myriad Autosomal Dominant, Autosomal Recessive and X-Linked Classification Criteria (2023). Collection method: clinical testing. Allele origin: unknown.
Comment: This variant is considered likely benign. This variant is intronic and is not expected to impact mRNA splicing.

NM_000051.4(ATM):c.3154-16A>T

Gene: ATM (ATM serine/threonine kinase; plus strand). Cytogenetic location: 11q22.3.
Variant type: single nucleotide variant.
Coding change: c.3154-16A>T on transcript NM_000051.4 (MANE Select); 16 bases into the intron before coding-DNA position 3154, A replaced by T.
Molecular consequence: intron variant.
Genome position (GRCh38, 1-based): chr11:108,272,706, A>T. VCF-style: chr11-108272706-A-T. GRCh37 (hg19) VCF-style: chr11-108143433-A-T.
Other names: c.3154-16A>T (NM_001351834.2).
Identifiers: ClinVar variation 3254178 (VCV003254178.1), dbSNP rs556888479.